The following is an entry in ClinVar:

ClinVar aggregate classification (germline): Uncertain significance (1 of 4 stars; one submission).

Conditions:
Spermatogenic failure 18. Identifiers: MedGen C4539783, MONDO:0054615, OMIM 617576.
Ciliary dyskinesia, primary, 37 (CILD37). Also called: CILIARY DYSKINESIA, PRIMARY, 37, WITH OR WITHOUT SITUS INVERSUS. Identifiers: MedGen C4539798, MONDO:0033204, OMIM 617577.

gnomAD v4.1: 12 of 1,611,398 alleles (0.00074%); highest among the groups gnomAD compares: Non-Finnish European, 0.001%; no homozygotes.

Submission:

Labcorp Genetics (formerly Invitae), Labcorp
Classification: Uncertain significance for Ciliary dyskinesia, primary, 37; Spermatogenic failure 18. Last evaluated: 2025-12-29. Review status: criteria provided, single submitter. Criteria: Invitae Variant Classification Sherloc (09022015). Collection method: clinical testing. Allele origin: germline.
Comment: This sequence change replaces isoleucine, which is neutral and non-polar, with valine, which is neutral and non-polar, at codon 3412 of the DNAH1 protein (p.Ile3412Val). This variant is present in population databases (rs772030262, gnomAD 0.003%). This missense change has been observed in individual(s) with DNAH1-related conditions (internal data). Invitae Evidence Modeling of protein sequence and biophysical properties (such as structural, functional, and spatial information, amino acid conservation, physicochemical variation, residue mobility, and thermodynamic stability) indicates that this missense variant is not expected to disrupt DNAH1 protein function with a negative predictive value of 80%. In summary, the available evidence is currently insufficient to determine the role of this variant in disease. Therefore, it has been classified as a Variant of Uncertain Significance.

NM_015512.5(DNAH1):c.10234A>G (p.Ile3412Val)

Gene: DNAH1 (dynein axonemal heavy chain 1; plus strand). Cytogenetic location: 3p21.1.
Variant type: single nucleotide variant.
Coding change: c.10234A>G on transcript NM_015512.5 (MANE Select); coding-DNA position 10234, A replaced by G.
Protein change: p.Ile3412Val; replaces isoleucine 3412 with valine.
Molecular consequence: missense variant.
Genome position (GRCh38, 1-based): chr3:52,392,645, A>G. VCF-style: chr3-52392645-A-G. GRCh37 (hg19) VCF-style: chr3-52426661-A-G.
Other names: short protein forms I3412V.
Identifiers: ClinVar variation 4792848 (VCV004792848.1).